The following is an entry in ClinVar:

NM_001365480.1(CCDC88A):c.1569T>A (p.Asn523Lys)

Gene: CCDC88A (coiled-coil and HOOK domain protein 88A; minus strand). Cytogenetic location: 2p16.1.
Variant type: single nucleotide variant.
Coding change: c.1569T>A on transcript NM_001365480.1 (MANE Select); coding-DNA position 1569, T replaced by A.
Protein change: p.Asn523Lys; replaces asparagine 523 with lysine.
Molecular consequence: missense variant.
Genome position (GRCh38, 1-based): chr2:55,336,768, A>T on the plus strand (T>A on the coding strand, the complement: CCDC88A is on the minus strand). VCF-style: chr2-55336768-A-T. GRCh37 (hg19) VCF-style: chr2-55563904-A-T.
Other names: c.1569T>A, p.Asn523Lys (NM_001135597.2, NM_001254943.2, NM_018084.5); short protein forms N523K.
Identifiers: ClinVar variation 1433300 (VCV001433300.4), dbSNP rs200076624, ClinGen allele CA1666114.
Genomic context (GRCh38, chr2:55,336,768, plus strand): 5'-TTCTATTGTTTTTTCAAGCTGAGCTTTCTCCTTCATTAGATCCTTGCTTAAATTCTGACA[A>T]TTCTGAAGACTTTGCTTTTCTTGAACAATCTCATTTTCAAGAATCTCAACCTAGAGAAAA-3'
Protein context (NP_001352409.1, residues 513-533): EIVQEKQSLQ[Asn523Lys]CQNLSKDLMK

ClinVar aggregate classification (germline): Uncertain significance (1 of 4 stars; one submission).

Allele frequency attached by ClinVar (database versions not stated): ExAC 0.00005; gnomAD 0.00009 and 0.00010; gnomAD exomes 0.00011; TOPMed 0.00015; ESP Exome Variant Server 0.00023.
gnomAD v4.1: 282 of 1,595,782 alleles (0.018%); highest among the groups gnomAD compares: Non-Finnish European, 0.022%; no homozygotes.

Submissions (2):

Labcorp Genetics (formerly Invitae), Labcorp
Classification: Uncertain significance. Last evaluated: 2022-10-31. Review status: criteria provided, single submitter. Criteria: Invitae Variant Classification Sherloc (09022015). Collection method: clinical testing. Allele origin: germline.
Comment: This sequence change replaces asparagine, which is neutral and polar, with lysine, which is basic and polar, at codon 523 of the CCDC88A protein (p.Asn523Lys). This variant is present in population databases (rs200076624, gnomAD 0.02%). This variant has not been reported in the literature in individuals affected with CCDC88A-related conditions. ClinVar contains an entry for this variant (Variation ID: 1433300). Algorithms developed to predict the effect of missense changes on protein structure and function (SIFT, PolyPhen-2, Align-GVGD) all suggest that this variant is likely to be tolerated. In summary, the available evidence is currently insufficient to determine the role of this variant in disease. Therefore, it has been classified as a Variant of Uncertain Significance.

Dr. Peter K. Rogan Lab, Western University
No classification provided (evidence only). Condition: Thyroid cancer, nonmedullary, 1. Review status: no classification provided. Collection method: in vitro. Allele origin: not applicable. Functional consequence: retained intron. Not counted in ClinVar's aggregate classification.